The following is an entry in ClinVar:

NM_032756.4(HPDL):c.421C>G (p.Pro141Ala)

Gene: HPDL (4-hydroxyphenylpyruvate dioxygenase like; plus strand). Cytogenetic location: 1p34.1.
Variant type: single nucleotide variant.
Coding change: c.421C>G on transcript NM_032756.4 (MANE Select); coding-DNA position 421, C replaced by G.
Protein change: p.Pro141Ala; replaces proline 141 with alanine.
Molecular consequence: missense variant.
Genome position (GRCh38, 1-based): chr1:45,327,569, C>G. VCF-style: chr1-45327569-C-G. GRCh37 (hg19) VCF-style: chr1-45793241-C-G.
Other names: short protein forms P141A.
Identifiers: ClinVar variation 2638786 (VCV002638786.24), dbSNP rs2523681597, ClinGen allele CA340128944.
Genomic context (GRCh38, chr1:45,327,569, plus strand): 5'-GTCAGCTCGCCTGCCGGCATCCTCAGCCTGACCTTGCTGGAGCGCGCTGGCTACCGCGGA[C>G]CCTTCCTACCCGGCTTCAGGCCCGTGTCCTCTGCGCCTGGCCCCGGGTGGGTCAGCCGCG-3'
Protein context (NP_116145.1, residues 131-151): TLLERAGYRG[Pro141Ala]FLPGFRPVSS

ClinVar aggregate classification (germline): Uncertain significance (1 of 4 stars; one submission).

Submission:

CeGaT Center for Human Genetics Tuebingen
Classification: Uncertain significance. Last evaluated: 2022-05-01. Review status: criteria provided, single submitter. Criteria: CeGaT Center For Human Genetics Tuebingen Variant Classification Criteria Version 2. Collection method: clinical testing. Allele origin: germline. Affected: yes. Observed: 1 variant allele.
Comment: HPDL: PM2, BP4